The following is an entry in ClinVar:

NM_001609.4(ACADSB):c.443C>T (p.Thr148Ile)

Gene: ACADSB (acyl-CoA dehydrogenase short/branched chain; plus strand). Cytogenetic location: 10q26.13.
Variant type: single nucleotide variant.
Coding change: c.443C>T on transcript NM_001609.4 (MANE Select); coding-DNA position 443, C replaced by T.
Protein change: p.Thr148Ile; replaces threonine 148 with isoleucine.
Molecular consequence: missense variant.
Genome position (GRCh38, 1-based): chr10:123,040,605, C>T. VCF-style: chr10-123040605-C-T. GRCh37 (hg19) VCF-style: chr10-124800121-C-T.
Other names: c.137C>T, p.Thr46Ile (NM_001330174.3); short protein forms T148I, T46I.
Identifiers: ClinVar variation 9202 (VCV000009202.79), dbSNP rs58639322, ClinGen allele CA120176.

ClinVar aggregate classification (germline): Conflicting classifications of pathogenicity. Review status: criteria provided, conflicting classifications (1 of 4 stars). 19 submissions from 19 submitters: Pathogenic (6); Likely pathogenic (10); Uncertain significance (2). 1 of the submissions does not count toward it. Last evaluated 2026-06-18.

Conditions:
ACADSB-related disorder. Also called: ACADSB-related condition.
Inborn genetic diseases. Identifiers: MedGen C0950123, MeSH D030342.
Deficiency of 2-methylbutyryl-CoA dehydrogenase (ACADSB). Also called: 2-methylbutyryl-CoA dehydrogenase deficiency; SBCAD deficiency; 2-methylbutyric aciduria; Short branched-chain acyl-CoA dehydrogenase deficiency; 2-methylbutyrylglycinuria. Identifiers: Orphanet 79157, MedGen C1864912, MONDO:0012392, OMIM 610006, HP:0020147.

Allele frequency attached by ClinVar (database versions not stated): TOPMed 0.00050; 1000 Genomes Project 0.00060; gnomAD 0.00060 and 0.00071; ESP Exome Variant Server 0.00069; gnomAD exomes 0.00078 and 0.00083; ExAC 0.00079; 1000 Genomes Project 30x 0.00094.
gnomAD v4.1: 1,256 of 1,614,094 alleles (0.078%); highest among the groups gnomAD compares: South Asian, 0.27%; 2 homozygotes.

Submissions 1 to 11 of 19:

Victorian Clinical Genetics Services, Murdoch Childrens Research Institute
Classification: Pathogenic for Deficiency of 2-methylbutyryl-CoA dehydrogenase. Last evaluated: 2026-06-18. Review status: criteria provided, single submitter. Criteria: ACMG Guidelines, 2015. Collection method: clinical testing. Allele origin: germline.
Comment: This variant is classified as Pathogenic. Evidence in support of pathogenic classification: Variant is present in gnomAD <0.01 for a recessive condition (v4: 1252 heterozygote(s), 2 homozygote(s)); This variant has strong previous evidence of pathogenicity in unrelated individuals. This variant has been classified as pathogenic/likely pathogenic/VUS by clinical laboratories in ClinVar. It has also been reported in the literature in both asymptomatic and symptomatic individuals with short/branched-chain acyl-CoA dehydrogenase (SBCAD) deficiency (PMIDs: 30730842, 36147814). Additional information: Variant is predicted to result in a missense amino acid change from Thr to Ile; This variant is homozygous; This gene is associated with autosomal recessive disease; Variant is located in the annotated Acyl-CoA dehydrogenase, N-terminal domain (DECIPHER); Missense variant with inconclusive in silico prediction and/or uninformative conservation; Loss of function is a known mechanism of disease in this gene and is associated with 2-methylbutyrylglycinuria (MIM#610006); Variants in this gene are known to have variable expressivity. SBCAD deficiency is symptomatic in approximately 10% of reported patients (PMID: 30730842).

Labcorp Genetics (formerly Invitae), Labcorp
Classification: Pathogenic for Deficiency of 2-methylbutyryl-CoA dehydrogenase. Last evaluated: 2026-01-26. Review status: criteria provided, single submitter. Criteria: Invitae Variant Classification Sherloc (09022015). Collection method: clinical testing. Allele origin: germline.
Comment: This sequence change replaces threonine, which is neutral and polar, with isoleucine, which is neutral and non-polar, at codon 148 of the ACADSB protein (p.Thr148Ile). This variant is present in population databases (rs58639322, gnomAD 0.3%), and has an allele count higher than expected for a pathogenic variant. This missense change has been observed in individual(s) with SBCAD deficiency (PMID: 15615815, 17945527, 20547083, 30730842). ClinVar contains an entry for this variant (Variation ID: 9202). Invitae Evidence Modeling of protein sequence and biophysical properties (such as structural, functional, and spatial information, amino acid conservation, physicochemical variation, residue mobility, and thermodynamic stability) has been performed for this missense variant. However, the output from this modeling did not meet the statistical confidence thresholds required to predict the impact of this variant on ACADSB protein function. Experimental studies have shown that this missense change affects ACADSB function (PMID: 20547083). For these reasons, this variant has been classified as Pathogenic.

PreventionGenetics, part of Exact Sciences
Classification: Likely pathogenic for ACADSB-related condition. Last evaluated: 2025-11-05. Review status: criteria provided, single submitter. Criteria: ACMG Guidelines, 2015. Collection method: clinical testing. Allele origin: germline.
Comment: The ACADSB c.443C>T variant is predicted to result in the amino acid substitution p.Thr148Ile. This variant has been reported in the homozygous state in at least two individuals with short/branched-chain acyl-CoA dehydrogenase deficiency (SBCADD) (Korman et al. 2005. PubMed ID: 15615815; Rossi et al. 2022. PubMed ID: 36147814) and in the compound heterozygous state in in at least five individuals with SBCADD (Porta et al. 2019. PubMed ID: 30730842; Rossi et al. 2022. PubMed ID: 36147814). It has also been reported in the homozygous or compound heterozygous state in two sets of unrelated siblings with SBCADD (Sass et al. 2007. PubMed ID: 17945527). The majority of these individuals were asymptomatic and were diagnosed based elevated 2-methylbutyryl carnitine (C5) and 2-methylbutyrylglycine (2MBG) during newborn screening and these values continued to remain elevated on serial monitoring (Rossi et al. 2022. PubMed ID: 36147814). Functional studies demonstrated a reduction in activity to 2.8% of wild-type (Alfardan et al. 2010. PubMed ID: 20547083). This variant is reported in 0.27% of alleles in individuals of South Asian descent in gnomAD. It has conflicting classifications listed in ClinVar ranging from uncertain to pathogenic (ClinVar ID: 9202). This variant is interpreted as likely pathogenic.

3billion
Classification: Pathogenic for Deficiency of 2-methylbutyryl-CoA dehydrogenase. Last evaluated: 2025-04-21. Review status: criteria provided, single submitter. Criteria: ACMG Guidelines, 2015. Collection method: clinical testing. Allele origin: germline. Affected: yes.
Comment: The variant is observed at an extremely low frequency in the gnomAD v4.1.0 dataset (total allele frequency: 0.078%). The variant is observed at an extremely low frequency in the gnomAD v4.1.0 dataset (total allele frequency: 0.078%). Missense variant Functional studies provide moderate evidence of the variant having a damaging effect on the gene or gene product (PMID: 20547083). The same nucleotide change resulting in the same amino acid change has been previously reported as pathogenic/likely pathogenic with strong evidence (ClinVar ID: VCV000009202 / PMID: 15615815). The variant has been reported to be in trans with a pathogenic variant as either compound heterozygous or homozygous in at least 2 similarly affected unrelated individuals (PMID: 15615815, 17945527, 20547083). Therefore, this variant is classified as Pathogenic according to the recommendation of ACMG/AMP guideline.

First Genomix Gene Laboratory, Genetic Diagnostics Department
Classification: Likely pathogenic for Deficiency of 2-methylbutyryl-CoA dehydrogenase. Last evaluated: 2025-03-27. Review status: criteria provided, single submitter. Criteria: ACMG Guidelines, 2015. Collection method: clinical testing. Allele origin: germline. Inheritance: Autosomal recessive inheritance. Affected: no. Observed: 1 variant allele.

Blueprint Genetics
Classification: Pathogenic for ACADSB-related disorders. Last evaluated: 2024-11-07. Review status: criteria provided, single submitter. Criteria: ACMG Guidelines, 2015. Collection method: clinical testing. Allele origin: germline. Affected: yes. Observed: 5 variant alleles.

Institute of Human Genetics, University of Leipzig Medical Center
Classification: Likely pathogenic for Deficiency of 2-methylbutyryl-CoA dehydrogenase. Last evaluated: 2024-10-09. Review status: criteria provided, single submitter. Criteria: ACMG Guidelines, 2015. Collection method: clinical testing. Allele origin: unknown. Inheritance: Autosomal recessive inheritance. Affected: yes.
Comment: Criteria applied: PM3_VSTR,PS3_SUP

Genomic Medicine Center of Excellence, King Faisal Specialist Hospital and Research Centre
Classification: Uncertain significance for Deficiency of 2-methylbutyryl-CoA dehydrogenase. Last evaluated: 2024-04-04. Review status: criteria provided, single submitter. Criteria: ACMG Guidelines, 2015. Collection method: clinical testing. Allele origin: germline.

Fulgent Genetics
Classification: Likely pathogenic for Deficiency of 2-methylbutyryl-CoA dehydrogenase. Last evaluated: 2024-02-27. Review status: criteria provided, single submitter. Criteria: ACMG Guidelines, 2015. Collection method: clinical testing. Allele origin: germline.

CeGaT Center for Human Genetics Tuebingen
Classification: Likely pathogenic. Last evaluated: 2023-01-01. Review status: criteria provided, single submitter. Criteria: CeGaT Center For Human Genetics Tuebingen Variant Classification Criteria Version 2. Collection method: clinical testing. Allele origin: germline. Affected: yes. Observed: 2 variant alleles.
Comment: ACADSB: PM3:Strong, PM2, PP4:Moderate, PS3:Supporting

Women's Health and Genetics/Laboratory Corporation of America, LabCorp
Classification: Pathogenic for Deficiency of 2-methylbutyryl-CoA dehydrogenase. Last evaluated: 2022-11-26. Review status: criteria provided, single submitter. Criteria: LabCorp Variant Classification Summary - May 2015. Collection method: clinical testing. Allele origin: germline.
Comment: Variant summary: ACADSB c.443C>T (p.Thr148Ile) results in a non-conservative amino acid change located in the Acyl-CoA dehydrogenase/oxidase, N-terminal domain (IPR013786) of the encoded protein sequence. Four of five in-silico tools predict a damaging effect of the variant on protein function. The variant allele was found at a frequency of 0.00083 in 251424 control chromosomes (gnomAD). c.443C>T has been reported in the literature as a biallelic genotype in multiple individuals affected with Deficiency Of 2-Methylbutyryl Dehydrogenase (e.g. Korman_2005, Sass_2008, Porta_2019). These data indicate that the variant is very likely to be associated with disease. When the variant was expressed in E. coli, the variant had minimal protein yield and 2.8% normal activity (Alfardan_2010). Seven ClinVar submitters have assessed the variant since 2014: three classified the variant as uncertain significance, one as likely pathogenic, and three as pathogenic. Based on the evidence outlined above, the variant was classified as pathogenic.